The following is an entry in ClinVar:

ClinVar aggregate classification (germline): Pathogenic (1 of 4 stars; one submission).

Submission:

Labcorp Genetics (formerly Invitae), Labcorp
Classification: Pathogenic. Last evaluated: 2025-02-17. Review status: criteria provided, single submitter. Criteria: Invitae Variant Classification Sherloc (09022015). Collection method: clinical testing. Allele origin: germline.
Comment: This sequence change creates a premature translational stop signal (p.Gly272Alafs*38) in the TULP1 gene. It is expected to result in an absent or disrupted protein product. Loss-of-function variants in TULP1 are known to be pathogenic (PMID: 8606774, 10549638, 15024725, 18055821). This variant is not present in population databases (gnomAD no frequency). This variant has not been reported in the literature in individuals affected with TULP1-related conditions. For these reasons, this variant has been classified as Pathogenic.

Literature cited by the submitters: PubMed 8606774; PubMed 10549638; PubMed 15024725; PubMed 18055821.

NM_003322.6(TULP1):c.813del (p.Gly272fs)

Gene: TULP1 (TUB like protein 1; minus strand). Cytogenetic location: 6p21.31.
Variant type: Deletion.
Coding change: c.813del on transcript NM_003322.6 (MANE Select); coding-DNA position 813, one base deleted (A; older notation c.813delA).
Protein change: p.Gly272fs; shifts the reading frame from glycine 272.
Molecular consequence: frameshift variant.
Genome position (GRCh38, 1-based): chr6:35,509,218, T deleted on the plus strand (A on the coding strand, the reverse complement: TULP1 is on the minus strand); the first of 4 consecutive T bases (chr6:35,509,218-35,509,221); deleting any one gives the same sequence. VCF-style (leftmost placement, unchanged base first): chr6-35509217-CT-C. GRCh37 (hg19) VCF-style: chr6-35476994-CT-C.
Other names: c.654del, p.Gly219fs (NM_001289395.2); short protein forms G219fs, G272fs.
Identifiers: ClinVar variation 4713274 (VCV004713274.1).